The following is an entry in ClinVar:

ClinVar aggregate classification (germline): Pathogenic (1 of 4 stars; one submission).

Conditions:
Neurofibromatosis, type 1 (NF1). Also called: Neurofibromatosis, type I; VON RECKLINGHAUSEN DISEASE; NEUROFIBROMATOSIS, TYPE I, SOMATIC; Peripheral type neurofibromatosis. Identifiers: Orphanet 636, MedGen C0027831, MONDO:0018975, OMIM 162200. Disease mechanism: loss of function.

Submission:

Labcorp Genetics (formerly Invitae), Labcorp
Classification: Pathogenic for Neurofibromatosis, type 1. Last evaluated: 2025-06-30. Review status: criteria provided, single submitter. Criteria: Invitae Variant Classification Sherloc (09022015). Collection method: clinical testing. Allele origin: germline.
Comment: This sequence change creates a premature translational stop signal (p.His1605Glnfs*4) in the NF1 gene. It is expected to result in an absent or disrupted protein product. Loss-of-function variants in NF1 are known to be pathogenic (PMID: 10712197, 23913538). This variant is not present in population databases (gnomAD no frequency). This variant has not been reported in the literature in individuals affected with NF1-related conditions. ClinVar contains an entry for this variant (Variation ID: 1454216). For these reasons, this variant has been classified as Pathogenic.

Literature cited by the submitters: PubMed 10712197; PubMed 23913538.

NM_001042492.3(NF1):c.4878del (p.His1626fs)

Gene: NF1 (neurofibromin 1; plus strand). Cytogenetic location: 17q11.2.
Variant type: Deletion.
Coding change: c.4878del on transcript NM_001042492.3 (MANE Select); coding-DNA position 4878, one base deleted (T; older notation c.4878delT).
Protein change: p.His1626fs; shifts the reading frame from histidine 1626.
Molecular consequence: frameshift variant.
Genome position (GRCh38, 1-based): chr17:31,325,862, T deleted. VCF-style (leftmost placement, unchanged base first): chr17-31325861-AT-A. GRCh37 (hg19) VCF-style: chr17-29652879-AT-A.
Other names: c.4815delT, p.His1605Glnfs (NM_000267.4); short protein forms H1605fs, H1626fs.
Identifiers: ClinVar variation 1454216 (VCV001454216.6), dbSNP rs2151537626, ClinGen allele CA2573153679.
Genomic context (GRCh38, chr17:31,325,861, plus strand): 5'-TTTTTGTCATTTTCCTTAGGTTCAAAACTGGTCAAATCAATGGTGATTTGCTGATATACC[AT>A]GTCTTACTGACTTTAAAGCCATATTATGCAAAGCCATATGAAATTGTAGTGGACCTTACC-3'